The following is an entry in ClinVar:

NM_173076.3(ABCA12):c.4989dup (p.Thr1665fs)

Gene: ABCA12 (ATP binding cassette subfamily A member 12; minus strand). Cytogenetic location: 2q35.
Variant type: Duplication.
Coding change: c.4989dup on transcript NM_173076.3 (MANE Select); coding-DNA position 4989, one base duplicated (C; older notation c.4989dupC).
Protein change: p.Thr1665fs; shifts the reading frame from threonine 1665.
Molecular consequence: frameshift variant. On other transcripts: non-coding transcript variant (1).
Genome position (GRCh38, 1-based): chr2:214,978,455, G duplicated on the plus strand (C on the coding strand, the reverse complement: ABCA12 is on the minus strand). VCF-style (leftmost placement, unchanged base first): chr2-214978454-A-AG. GRCh37 (hg19) VCF-style: chr2-215843178-A-AG.
Other names: c.4035dup, p.Thr1347fs (NM_015657.4); c.4989dupC (NM_173076.2); short protein forms T1347fs, T1665fs.
Identifiers: ClinVar variation 2445846 (VCV002445846.1), dbSNP rs2469221207, ClinGen allele CA2577234938.

ClinVar aggregate classification (germline): Likely pathogenic (1 of 4 stars; one submission).

Conditions:
Lamellar ichthyosis. Identifiers: Orphanet 313, MedGen C5848247, MONDO:0017778.

Submission:

Women's Health and Genetics/Laboratory Corporation of America, LabCorp
Classification: Likely pathogenic for Lamellar ichthyosis. Last evaluated: 2023-02-14. Review status: criteria provided, single submitter. Criteria: LabCorp Variant Classification Summary - May 2015. Collection method: clinical testing. Allele origin: germline.
Comment: Variant summary: ABCA12 c.4989dupC (p.Thr1665AspfsX8) results in a premature termination codon, predicted to cause a truncation of the encoded protein or absence of the protein due to nonsense mediated decay, which are commonly known mechanisms for disease. Truncations downstream of this position have been classified as pathogenic by our laboratory. The variant was absent in 249840 control chromosomes (gnomAD). To our knowledge, no occurrence of c.4989dupC in individuals affected with Lamellar Ichthyosis and no experimental evidence demonstrating its impact on protein function have been reported. No clinical diagnostic laboratories have submitted clinical-significance assessments for this variant to ClinVar after 2014. Based on the evidence outlined above, the variant was classified as likely pathogenic.